The following is an entry in ClinVar:

NM_001161352.2(KCNMA1):c.1952A>T (p.His651Leu)

Gene: KCNMA1 (potassium calcium-activated channel subfamily M alpha 1; minus strand). Cytogenetic location: 10q22.3.
Variant type: single nucleotide variant.
Coding change: c.1952A>T on transcript NM_001161352.2 (MANE Select); coding-DNA position 1952, A replaced by T.
Protein change: p.His651Leu; replaces histidine 651 with leucine.
Molecular consequence: missense variant.
Genome position (GRCh38, 1-based): chr10:77,019,076, T>A on the plus strand (A>T on the coding strand, the complement: KCNMA1 is on the minus strand). VCF-style: chr10-77019076-T-A. GRCh37 (hg19) VCF-style: chr10-78778834-T-A.
Other names: c.1964A>T, p.His655Leu (NM_001014797.3, NM_001322830.2, NM_001322835.2 and 1 more transcripts); c.1952A>T, p.His651Leu (NM_001161353.2, NM_001271519.2, NM_001322829.2 and 3 more transcripts); c.1802A>T, p.His601Leu (NM_001271518.2); c.1412A>T, p.His471Leu (NM_001322838.2); short protein forms H601L, H651L, H471L, H655L.
Identifiers: ClinVar variation 1442737 (VCV001442737.6), dbSNP rs200013065, ClinGen allele CA5568268.
Genomic context (GRCh38, chr10:77,019,076, plus strand): 5'-TTAACTTCTTTGGCATCACTTGCGATGAAAAATCCTAAAGTACCTTCTTGGATCTTAAGA[T>A]GGTTTCCAGGATTAATTAATATACTGCTCAGTGAACAAAAACAAACAGAGAAGATACATT-3'
Protein context (NP_001154824.1, residues 641-661): ESRILINPGN[His651Leu]LKIQEGTLGF

ClinVar aggregate classification (germline): Uncertain significance (1 of 4 stars; one submission).

Conditions:
Generalized epilepsy-paroxysmal dyskinesia syndrome (PNKD3). Also called: Paroxysmal nonkinesigenic dyskinesia, 3, with or without generalized epilepsy; Generalized epilepsy and paroxysmal dyskinesia. Identifiers: Orphanet 79137, MedGen C5574945, MONDO:0012276, OMIM 609446.

Allele frequency attached by ClinVar (database versions not stated): gnomAD exomes below 0.00001; ExAC 0.00001.
gnomAD v4.1: 5 of 1,582,492 alleles (0.00032%); highest among the groups gnomAD compares: Non-Finnish European, 0.00043%; no homozygotes.

Submission:

Labcorp Genetics (formerly Invitae), Labcorp
Classification: Uncertain significance for Generalized epilepsy-paroxysmal dyskinesia syndrome. Last evaluated: 2021-10-22. Review status: criteria provided, single submitter. Criteria: Invitae Variant Classification Sherloc (09022015). Collection method: clinical testing. Allele origin: germline.
Comment: In summary, the available evidence is currently insufficient to determine the role of this variant in disease. Therefore, it has been classified as a Variant of Uncertain Significance. Algorithms developed to predict the effect of missense changes on protein structure and function are either unavailable or do not agree on the potential impact of this missense change (SIFT: "Deleterious"; PolyPhen-2: "Benign"; Align-GVGD: "Class C15"). This variant has not been reported in the literature in individuals affected with KCNMA1-related conditions. This variant is present in population databases (rs200013065, ExAC 0.002%). This sequence change replaces histidine with leucine at codon 651 of the KCNMA1 protein (p.His651Leu). The histidine residue is highly conserved and there is a moderate physicochemical difference between histidine and leucine.